The following is an entry in ClinVar:

NM_006231.4(POLE):c.3866G>A (p.Arg1289His)

Gene: POLE (DNA polymerase epsilon, catalytic subunit; minus strand). Cytogenetic location: 12q24.33.
Variant type: single nucleotide variant.
Coding change: c.3866G>A on transcript NM_006231.4 (MANE Select); coding-DNA position 3866, G replaced by A.
Protein change: p.Arg1289His; replaces arginine 1289 with histidine.
Molecular consequence: missense variant.
Genome position (GRCh38, 1-based): chr12:132,649,445, C>T on the plus strand (G>A on the coding strand, the complement: POLE is on the minus strand). VCF-style: chr12-132649445-C-T. GRCh37 (hg19) VCF-style: chr12-133226031-C-T.
Other names: short protein forms R1289H.
Identifiers: ClinVar variation 240483 (VCV000240483.21), dbSNP rs781298285, ClinGen allele CA6893067.
Genomic context (GRCh38, chr12:132,649,445, plus strand): 5'-TCCCGGATGGCCCCGGGCCTGAGCACACCCTCTGCCGACTCCAGACGCTGCCTCTTCCTG[C>T]GGGCGAGGCGCTGCCGGGCCTGCAGCTGCCACTTCTTCTTGTGGAACCGGAGCCAGACAA-3'
Protein context (NP_006222.2, residues 1279-1299): WQLQARQRLA[Arg1289His]RKRQRLESAE

ClinVar aggregate classification (germline): Uncertain significance. Review status: criteria provided, multiple submitters, no conflicts (2 of 4 stars). 6 submissions from 6 submitters: Uncertain significance (6). Last evaluated 2025-03-04.

Conditions:
Polymerase proofreading-related adenomatous polyposis. Also called: Polymerase proofreading associated polyposis; Polymerase proofreading–associated polyposis (PPAP). Identifiers: Orphanet 447877, MedGen C5202613, MONDO:0018653.
Colorectal cancer, susceptibility to, 12 (CRCS12). Also called: COLORECTAL CANCER, SUSCEPTIBILITY TO, ON CHROMOSOME 12q24. Identifiers: Orphanet 220460, MedGen C3554460, MONDO:0014038, OMIM 615083.
Hereditary cancer-predisposing syndrome. Also called: Tumor predisposition; Neoplastic Syndromes, Hereditary; Hereditary Cancer Syndrome; Hereditary neoplastic syndrome. Identifiers: Orphanet 140162, MedGen C0027672, MeSH D009386, MONDO:0015356.

Allele frequency attached by ClinVar (database versions not stated): gnomAD 0.00001.
gnomAD v4.1: 19 of 1,612,302 alleles (0.0012%); highest among the groups gnomAD compares: African/African-American, 0.0013%; no homozygotes.

Submissions (6):

Center for Genomic Medicine, Rigshospitalet, Copenhagen University Hospital
Classification: Uncertain significance. Last evaluated: 2025-03-04. Review status: criteria provided, single submitter. Criteria: ACMG Guidelines, 2015. Collection method: clinical testing. Allele origin: germline.

Labcorp Genetics (formerly Invitae), Labcorp
Classification: Uncertain significance. Last evaluated: 2024-09-22. Review status: criteria provided, single submitter. Criteria: Invitae Variant Classification Sherloc (09022015). Collection method: clinical testing. Allele origin: germline.
Comment: This sequence change replaces arginine, which is basic and polar, with histidine, which is basic and polar, at codon 1289 of the POLE protein (p.Arg1289His). This variant is present in population databases (rs781298285, gnomAD 0.004%). This variant has not been reported in the literature in individuals affected with POLE-related conditions. ClinVar contains an entry for this variant (Variation ID: 240483). Invitae Evidence Modeling of protein sequence and biophysical properties (such as structural, functional, and spatial information, amino acid conservation, physicochemical variation, residue mobility, and thermodynamic stability) indicates that this missense variant is not expected to disrupt POLE protein function with a negative predictive value of 80%. In summary, the available evidence is currently insufficient to determine the role of this variant in disease. Therefore, it has been classified as a Variant of Uncertain Significance.

Ambry Genetics
Classification: Uncertain significance for Hereditary cancer-predisposing syndrome. Last evaluated: 2024-07-09. Review status: criteria provided, single submitter. Criteria: Ambry Variant Classification Scheme 2023. Collection method: clinical testing. Allele origin: germline.

GeneDx
Classification: Uncertain significance. Last evaluated: 2023-12-08. Review status: criteria provided, single submitter. Criteria: GeneDx Variant Classification Process June 2021. Collection method: clinical testing. Allele origin: germline. Affected: yes.
Comment: In silico analysis supports that this missense variant does not alter protein structure/function; Has not been previously published as pathogenic or benign to our knowledge

Department of Pathology and Laboratory Medicine, Sinai Health System
Classification: Uncertain significance for Polymerase proofreading-related adenomatous polyposis. Last evaluated: 2021-07-09. Review status: criteria provided, single submitter. Criteria: ACMG Guidelines, 2015. Collection method: clinical testing. Allele origin: germline. Affected: yes.

Mendelics
Classification: Uncertain significance for Colorectal cancer, susceptibility to, 12. Last evaluated: 2019-05-28. Review status: criteria provided, single submitter. Criteria: Mendelics Assertion Criteria 2017. Collection method: clinical testing. Allele origin: unknown.